The following is an entry in ClinVar:

ClinVar aggregate classification (germline): Uncertain significance (1 of 4 stars; one submission).

Conditions:
Congenital disorder of glycosylation (CDG). Also called: Carbohydrate-deficient glycoprotein syndrome; Congenital disorders of glycosylation. Identifiers: Orphanet 137, MedGen C0282577, MONDO:0015286.

Allele frequency attached by ClinVar (database versions not stated): TOPMed 0.00003; gnomAD 0.00235.
gnomAD v4.1: 150 of 324,498 alleles (0.046%); highest among the groups gnomAD compares: Non-Finnish European, 0.06%; no homozygotes.

Submission:

Labcorp Genetics (formerly Invitae), Labcorp
Classification: Uncertain significance for Congenital disorder of glycosylation. Last evaluated: 2022-12-31. Review status: criteria provided, single submitter. Criteria: Invitae Variant Classification Sherloc (09022015). Collection method: clinical testing. Allele origin: germline.
Comment: This sequence change affects codon 4 of the RPN2 mRNA. It is a 'silent' change, meaning that it does not change the encoded amino acid sequence of the RPN2 protein. It affects a nucleotide within the consensus splice site. In summary, the available evidence is currently insufficient to determine the role of this variant in disease. Therefore, it has been classified as a Variant of Uncertain Significance. Algorithms developed to predict the effect of sequence changes on RNA splicing suggest that this variant is not likely to affect RNA splicing. This variant has not been reported in the literature in individuals affected with RPN2-related conditions. The frequency data for this variant in the population databases is considered unreliable, as metrics indicate poor data quality at this position in the gnomAD database.

NM_002951.5(RPN2):c.12G>C (p.Pro4=)

Genes: RPN2 (ribophorin II; plus strand), MROH8 (maestro heat like repeat family member 8; minus strand). Cytogenetic location: 20q11.23.
Variant type: single nucleotide variant.
Coding change: c.12G>C on transcript NM_002951.5 (MANE Select); coding-DNA position 12, G replaced by C.
Protein change: p.Pro4=; no amino-acid change (proline 4 retained).
Molecular consequence: synonymous variant. On other transcripts: missense variant (3), 5 prime UTR variant (1).
Genome position (GRCh38, 1-based): chr20:37,179,368, G>C. VCF-style: chr20-37179368-G-C. GRCh37 (hg19) VCF-style: chr20-35807771-G-C.
Other names: c.142C>G, p.Arg48Gly (NM_152503.8, NM_213631.3, NM_213632.3); c.12G>C, p.Pro4= (NM_001135771.3, NM_001324299.2, NM_001324301.2 and 4 more transcripts); c.-188G>C (NM_001324306.2); short protein forms R48G.
Identifiers: ClinVar variation 2771311 (VCV002771311.3), dbSNP rs971972758, ClinGen allele CA314340431.